The following is an entry in ClinVar:

NM_014283.5(SUCO):c.3121G>A (p.Gly1041Arg)

Gene: SUCO (SUN domain containing ossification factor; plus strand). Cytogenetic location: 1q24.3.
Variant type: single nucleotide variant.
Coding change: c.3121G>A on transcript NM_014283.5 (MANE Select); coding-DNA position 3121, G replaced by A.
Protein change: p.Gly1041Arg; replaces glycine 1041 with arginine.
Molecular consequence: missense variant.
Genome position (GRCh38, 1-based): chr1:172,602,166, G>A. VCF-style: chr1-172602166-G-A. GRCh37 (hg19) VCF-style: chr1-172571306-G-A.
Other names: c.2008G>A, p.Gly670Arg (NM_001282750.2); c.1432G>A, p.Gly478Arg (NM_001282751.2); c.3574G>A, p.Gly1192Arg (NM_016227.4); short protein forms G1041R, G478R, G1192R, G670R.
Identifiers: ClinVar variation 1405064 (VCV001405064.6), dbSNP rs1657573228, ClinGen allele CA343748777.

ClinVar aggregate classification (germline): Uncertain significance (1 of 4 stars; one submission).

Allele frequency attached by ClinVar (database versions not stated): TOPMed below 0.00001.

Submission:

Labcorp Genetics (formerly Invitae), Labcorp
Classification: Uncertain significance. Last evaluated: 2022-03-02. Review status: criteria provided, single submitter. Criteria: Invitae Variant Classification Sherloc (09022015). Collection method: clinical testing. Allele origin: germline.
Comment: In summary, the available evidence is currently insufficient to determine the role of this variant in disease. Therefore, it has been classified as a Variant of Uncertain Significance. Algorithms developed to predict the effect of sequence changes on RNA splicing suggest that this variant may create or strengthen a splice site. Algorithms developed to predict the effect of missense changes on protein structure and function (SIFT, PolyPhen-2, Align-GVGD) all suggest that this variant is likely to be tolerated. This variant has not been reported in the literature in individuals affected with SUCO-related conditions. This variant is not present in population databases (gnomAD no frequency). This sequence change replaces glycine, which is neutral and non-polar, with arginine, which is basic and polar, at codon 1041 of the SUCO protein (p.Gly1041Arg).